The following is an entry in ClinVar:

NM_020822.3(KCNT1):c.1036-205G>T

Gene: KCNT1 (potassium sodium-activated channel subfamily T member 1; plus strand). Cytogenetic location: 9q34.3.
Variant type: single nucleotide variant.
Coding change: c.1036-205G>T on transcript NM_020822.3 (MANE Select); 205 bases into the intron before coding-DNA position 1036, G replaced by T.
Molecular consequence: intron variant.
Genome position (GRCh38, 1-based): chr9:135,764,826, G>T. VCF-style: chr9-135764826-G-T. GRCh37 (hg19) VCF-style: chr9-138656672-G-T.
Other names: c.901-205G>T (NM_001272003.2).
Identifiers: ClinVar variation 674494 (VCV000674494.1), dbSNP rs79954161, ClinGen allele CA201464887.
Genomic context (GRCh38, chr9:135,764,826, plus strand): 5'-GTTTACTCCACAGTCTCCAGCCGCCCCTCCTCCCTTGGTCCCCACACATCCTGCCAGCCG[G>T]GCCTGCGTCCTGCTCTGTGTCATCTGAGGCTATCAGCATCTACAGTTTCCATGTGGGAAA-3'

ClinVar aggregate classification (germline): Likely benign (1 of 4 stars; one submission).

Allele frequency attached by ClinVar (database versions not stated): gnomAD 0.02530 and 0.02564; 1000 Genomes Project 0.02556; 1000 Genomes Project 30x 0.02639; TOPMed 0.02794.
gnomAD v4.1: 3,855 of 152,222 alleles (2.5%); highest among the groups gnomAD compares: Middle Eastern, 11%; 68 homozygotes.

Submission:

GeneDx
Classification: Likely benign. Last evaluated: 2018-06-19. Review status: criteria provided, single submitter. Criteria: GeneDx Variant Classification (06012015). Collection method: clinical testing. Allele origin: germline. Affected: yes.
Comment: This variant is considered likely benign or benign based on one or more of the following criteria: it is a conservative change, it occurs at a poorly conserved position in the protein, it is predicted to be benign by multiple in silico algorithms, and/or has population frequency not consistent with disease.